The following is an entry in ClinVar:

ClinVar aggregate classification (germline): Uncertain significance (1 of 4 stars; one submission).

Conditions:
Glucose-6-phosphate transport defect (GSD1B). Also called: GSD Ib; Glycogen Storage Disease Type Ib. Identifiers: Orphanet 364, Orphanet 79259, MedGen C0268146, MONDO:0009288, OMIM 232220.

Submission:

Labcorp Genetics (formerly Invitae), Labcorp
Classification: Uncertain significance for Glucose-6-phosphate transport defect. Last evaluated: 2026-01-24. Review status: criteria provided, single submitter. Criteria: Invitae Variant Classification Sherloc (09022015). Collection method: clinical testing. Allele origin: germline.
Comment: This sequence change replaces glutamic acid, which is acidic and polar, with lysine, which is basic and polar, at codon 355 of the SLC37A4 protein (p.Glu355Lys). This variant is present in population databases (rs121908975, gnomAD 0.003%). This variant has not been reported in the literature in individuals affected with SLC37A4-related conditions. ClinVar contains an entry for this variant (Variation ID: 3621911). Invitae Evidence Modeling of protein sequence and biophysical properties (such as structural, functional, and spatial information, amino acid conservation, physicochemical variation, residue mobility, and thermodynamic stability) indicates that this missense variant is expected to disrupt SLC37A4 protein function with a positive predictive value of 80%. In summary, the available evidence is currently insufficient to determine the role of this variant in disease. Therefore, it has been classified as a Variant of Uncertain Significance.

NM_001164277.2(SLC37A4):c.1063G>A (p.Glu355Lys)

Gene: SLC37A4 (solute carrier family 37 member 4; minus strand). Cytogenetic location: 11q23.3.
Variant type: single nucleotide variant.
Coding change: c.1063G>A on transcript NM_001164277.2 (MANE Select); coding-DNA position 1063, G replaced by A.
Protein change: p.Glu355Lys; replaces glutamic acid 355 with lysine.
Molecular consequence: missense variant.
Genome position (GRCh38, 1-based): chr11:119,025,251, C>T on the plus strand (G>A on the coding strand, the complement: SLC37A4 is on the minus strand). VCF-style: chr11-119025251-C-T. GRCh37 (hg19) VCF-style: chr11-118895961-C-T.
Other names: c.1129G>A, p.Glu377Lys (NM_001164278.2); c.844G>A, p.Glu282Lys (NM_001164279.2); c.1063G>A, p.Glu355Lys (NM_001164280.2, NM_001467.6); short protein forms E282K, E355K, E377K.
Identifiers: ClinVar variation 3621911 (VCV003621911.2).
Genomic context (GRCh38, chr11:119,025,251, plus strand): 5'-CATTGGCCATGAGTCCCACAATGGCGTGGGAGGTGCCACACAAGTTGGGAGGGGCACTCT[C>T]GTTGGCTATGACTCCAAACAGGGCAATGGGGCCATACGAGGAGAAACCAAATACAGCTCC-3'
Protein context (NP_001157749.1, residues 345-365): PIALFGVIAN[Glu355Lys]SAPPNLCGTS